The following is an entry in ClinVar:

NM_006922.4(SCN3A):c.1523A>G (p.Gln508Arg)

Gene: SCN3A (sodium voltage-gated channel alpha subunit 3; minus strand). Cytogenetic location: 2q24.3.
Variant type: single nucleotide variant.
Coding change: c.1523A>G on transcript NM_006922.4 (MANE Select); coding-DNA position 1523, A replaced by G.
Protein change: p.Gln508Arg; replaces glutamine 508 with arginine.
Molecular consequence: missense variant.
Genome position (GRCh38, 1-based): chr2:165,146,887, T>C on the plus strand (A>G on the coding strand, the complement: SCN3A is on the minus strand). VCF-style: chr2-165146887-T-C. GRCh37 (hg19) VCF-style: chr2-166003397-T-C.
Other names: c.1523A>G, p.Gln508Arg (NM_001081676.2, NM_001081677.2); short protein forms Q508R.
Identifiers: ClinVar variation 664897 (VCV000664897.38), dbSNP rs143763998, ClinGen allele CA1939142.

ClinVar aggregate classification (germline): Conflicting classifications of pathogenicity. Review status: criteria provided, conflicting classifications (1 of 4 stars). 4 submissions from 4 submitters: Uncertain significance (1); Likely benign (2). 1 of the submissions does not count toward it. Last evaluated 2026-05-01.

Conditions:
SCN3A-related disorder. Also called: SCN3A-related condition.
Inborn genetic diseases. Identifiers: MedGen C0950123, MeSH D030342.

Allele frequency attached by ClinVar (database versions not stated): ExAC 0.00011; gnomAD exomes 0.00012 and 0.00026; gnomAD 0.00019 and 0.00020; TOPMed 0.00025; ESP Exome Variant Server 0.00031.
gnomAD v4.1: 435 of 1,614,020 alleles (0.027%); highest among the groups gnomAD compares: Non-Finnish European, 0.033%; 1 homozygote.

Submissions (4):

CeGaT Center for Human Genetics Tuebingen
Classification: Likely benign. Last evaluated: 2026-05-01. Review status: criteria provided, single submitter. Criteria: CeGaT Center For Human Genetics Tuebingen Variant Classification Criteria Version 2. Collection method: clinical testing. Allele origin: germline. Affected: yes. Observed: 5 variant alleles.
Comment: SCN3A: BS1

Labcorp Genetics (formerly Invitae), Labcorp
Classification: Uncertain significance. Last evaluated: 2025-12-22. Review status: criteria provided, single submitter. Criteria: Invitae Variant Classification Sherloc (09022015). Collection method: clinical testing. Allele origin: germline.
Comment: This sequence change replaces glutamine, which is neutral and polar, with arginine, which is basic and polar, at codon 508 of the SCN3A protein (p.Gln508Arg). This variant is present in population databases (rs143763998, gnomAD 0.02%), and has an allele count higher than expected for a pathogenic variant. This variant has not been reported in the literature in individuals affected with SCN3A-related conditions. ClinVar contains an entry for this variant (Variation ID: 664897). Invitae Evidence Modeling of protein sequence and biophysical properties (such as structural, functional, and spatial information, amino acid conservation, physicochemical variation, residue mobility, and thermodynamic stability) indicates that this missense variant is not expected to disrupt SCN3A protein function with a negative predictive value of 80%. In summary, the available evidence is currently insufficient to determine the role of this variant in disease. Therefore, it has been classified as a Variant of Uncertain Significance.

Ambry Genetics
Classification: Likely benign for Inborn genetic diseases. Last evaluated: 2023-02-27. Review status: criteria provided, single submitter. Criteria: Ambry Variant Classification Scheme 2023. Collection method: clinical testing. Allele origin: germline.

PreventionGenetics, part of Exact Sciences
Classification: Likely benign for SCN3A-related condition. Last evaluated: 2023-08-18. Review status: no assertion criteria provided. Collection method: clinical testing. Allele origin: germline. Not counted in ClinVar's aggregate classification.
Comment: This variant is classified as likely benign based on ACMG/AMP sequence variant interpretation guidelines (Richards et al. 2015 PMID: 25741868, with internal and published modifications).